The following is an entry in ClinVar:

NM_001999.4(FBN2):c.6658G>A (p.Gly2220Ser)

Gene: FBN2 (fibrillin 2; minus strand). Cytogenetic location: 5q23.3.
Variant type: single nucleotide variant.
Coding change: c.6658G>A on transcript NM_001999.4 (MANE Select); coding-DNA position 6658, G replaced by A.
Protein change: p.Gly2220Ser; replaces glycine 2220 with serine.
Molecular consequence: missense variant.
Genome position (GRCh38, 1-based): chr5:128,288,537, C>T on the plus strand (G>A on the coding strand, the complement: FBN2 is on the minus strand). VCF-style: chr5-128288537-C-T. GRCh37 (hg19) VCF-style: chr5-127624229-C-T.
Other names: short protein forms G2220S.
Identifiers: ClinVar variation 213348 (VCV000213348.7), dbSNP rs863223582, ClinGen allele CA322770.
Genomic context (GRCh38, chr5:128,288,537, plus strand): 5'-TGCAATTGCATTCAAAACTCCCAATAACATTGGTGCATGTACCATTTCCACACGGATTGC[C>T]GATTGAACACTCATCAGTATCTGAAAAAGAAGAATAAGAAACTGCCACAAAGATGTTTTA-3'
Protein context (NP_001990.2, residues 2210-2230): RCVDTDECSI[Gly2220Ser]NPCGNGTCTN

ClinVar aggregate classification (germline): Conflicting classifications of pathogenicity. Review status: criteria provided, conflicting classifications (1 of 4 stars). 2 submissions from 2 submitters: Uncertain significance (1); Likely benign (1). Last evaluated 2025-09-15.

Conditions:
Congenital contractural arachnodactyly (CCA). Also called: Beals-Hecht syndrome; BEALS SYNDROME; Arthrogryposis, distal, type 9. Identifiers: Orphanet 115, MedGen C0220668, MONDO:0007363, OMIM 121050.

Allele frequency attached by ClinVar (database versions not stated): gnomAD 0.00001; gnomAD exomes 0.00001; TOPMed 0.00002.
gnomAD v4.1: 15 of 1,613,678 alleles (0.00093%); highest among the groups gnomAD compares: East Asian, 0.0045%; no homozygotes.

Submissions (2):

Labcorp Genetics (formerly Invitae), Labcorp
Classification: Likely benign for Congenital contractural arachnodactyly. Last evaluated: 2025-09-15. Review status: criteria provided, single submitter. Criteria: Invitae Variant Classification Sherloc (09022015). Collection method: clinical testing. Allele origin: germline.

GeneDx
Classification: Uncertain significance. Last evaluated: 2023-08-17. Review status: criteria provided, single submitter. Criteria: GeneDx Variant Classification Process June 2021. Collection method: clinical testing. Allele origin: germline. Affected: yes.
Comment: Not observed at significant frequency in large population cohorts (gnomAD); In silico analysis supports that this missense variant has a deleterious effect on protein structure/function; Has not been previously published as pathogenic or benign to our knowledge